The following is an entry in ClinVar:

ClinVar aggregate classification (germline): Benign. Review status: criteria provided, multiple submitters, no conflicts (2 of 4 stars). 5 submissions from 5 submitters: Benign (5). Last evaluated 2026-01-26.

Conditions:
Ghosal hematodiaphyseal dysplasia. Also called: Ghosal hematodiaphyseal syndrome. Identifiers: Orphanet 1802, MedGen C1856465, MONDO:0009274, OMIM 231095.

Allele frequency attached by ClinVar (database versions not stated): gnomAD exomes 0.00850; gnomAD 0.03180 and 0.03380; TOPMed 0.03609; ESP Exome Variant Server 0.03960; 1000 Genomes Project 0.04173; 1000 Genomes Project 30x 0.04544.
gnomAD v4.1: 9,765 of 1,614,150 alleles (0.6%); highest among the groups gnomAD compares: African/African-American, 12%; 499 homozygotes.

Submissions (5):

Labcorp Genetics (formerly Invitae), Labcorp
Classification: Benign. Last evaluated: 2026-01-26. Review status: criteria provided, single submitter. Criteria: Invitae Variant Classification Sherloc (09022015). Collection method: clinical testing. Allele origin: germline.

Mayo Clinic Laboratories, Mayo Clinic
Classification: Benign. Last evaluated: 2025-05-15. Review status: criteria provided, single submitter. Criteria: ACMG Guidelines, 2015. Collection method: clinical testing. Allele origin: germline. Observed: 22 variant alleles.
Comment: BA1, BS2

Mendelics
Classification: Benign for Ghosal hematodiaphyseal dysplasia. Last evaluated: 2019-05-28. Review status: criteria provided, single submitter. Criteria: Mendelics Assertion Criteria 2017. Collection method: clinical testing. Allele origin: unknown.

Eurofins Ntd Llc (ga)
Classification: Benign. Last evaluated: 2016-12-02. Review status: criteria provided, single submitter. Criteria: EGL Classification Definitions 2015. Collection method: clinical testing. Allele origin: germline. Observed: 1 variant allele, 1 heterozygote.

Breakthrough Genomics
Classification: Benign. Review status: criteria provided, single submitter. Criteria: ACMG Guidelines, 2015. Collection method: not provided. Allele origin: germline. Inheritance: Autosomal recessive inheritance. Affected: yes.

Literature cited by the submitters: PubMed 22735388 (cited by Mayo Clinic Laboratories, Mayo Clinic).

NM_001061.7(TBXAS1):c.1066C>G (p.Leu356Val)

Gene: TBXAS1 (thromboxane A synthase 1; plus strand). Cytogenetic location: 7q34.
Variant type: single nucleotide variant.
Coding change: c.1066C>G on transcript NM_001061.7 (MANE Select); coding-DNA position 1066, C replaced by G.
Protein change: p.Leu356Val; replaces leucine 356 with valine.
Molecular consequence: missense variant.
Genome position (GRCh38, 1-based): chr7:139,962,165, C>G. VCF-style: chr7-139962165-C-G. GRCh37 (hg19) VCF-style: chr7-139661964-C-G.
Other names: p.Leu402Val; c.1066C>G, p.Leu356Val (NM_001130966.5, NM_030984.6); c.1204C>G, p.Leu402Val (NM_001166253.4); c.865C>G, p.Leu289Val (NM_001166254.4); c.1009C>G, p.Leu337Val (NM_001314028.4); c.883C>G, p.Leu295Val (NM_001366537.3); c.1204C>G (NM_001166253.3); short protein forms L289V, L356V, L402V, L337V, L295V.
Identifiers: ClinVar variation 498646 (VCV000498646.15), dbSNP rs4529, ClinGen allele CA4511878.